The following is an entry in ClinVar:

ClinVar aggregate classification (germline): Conflicting classifications of pathogenicity. Review status: criteria provided, conflicting classifications (1 of 4 stars). 11 submissions from 11 submitters: Uncertain significance (9); Likely benign (1). 1 of the submissions does not count toward it. Last evaluated 2025-01-21.

Conditions:
Hermansky-Pudlak syndrome 2 (HPS2). Also called: Platelet defects and oculocutaneous albinism. Identifiers: Orphanet 183678, Orphanet 79430, MedGen C1842362, MONDO:0011997, OMIM 608233.
AP3B1-related disorder. Also called: AP3B1-related condition.
Autoinflammatory syndrome. Identifiers: Orphanet 93665, MedGen C3890737, MONDO:0019751.

Allele frequency attached by ClinVar (database versions not stated): ExAC 0.00068; gnomAD exomes 0.00080 and 0.00196; gnomAD 0.00087 and 0.00088; TOPMed 0.00103; ESP Exome Variant Server 0.00146.
gnomAD v4.1: 3,028 of 1,609,360 alleles (0.19%); highest among the groups gnomAD compares: Non-Finnish European, 0.24%; 6 homozygotes.

Submissions (11):

Labcorp Genetics (formerly Invitae), Labcorp
Classification: Uncertain significance for Hermansky-Pudlak syndrome 2. Last evaluated: 2025-01-21. Review status: criteria provided, single submitter. Criteria: Invitae Variant Classification Sherloc (09022015). Collection method: clinical testing. Allele origin: germline.
Comment: This sequence change replaces alanine, which is neutral and non-polar, with proline, which is neutral and non-polar, at codon 400 of the AP3B1 protein (p.Ala400Pro). This variant is present in population databases (rs150000996, gnomAD 0.2%), and has an allele count higher than expected for a pathogenic variant. This variant has not been reported in the literature in individuals affected with AP3B1-related conditions. ClinVar contains an entry for this variant (Variation ID: 434221). An algorithm developed to predict the effect of missense changes on protein structure and function (PolyPhen-2) suggests that this variant is likely to be disruptive. In summary, the available evidence is currently insufficient to determine the role of this variant in disease. Therefore, it has been classified as a Variant of Uncertain Significance.

Blueprint Genetics
Classification: Uncertain significance. Last evaluated: 2024-10-21. Review status: criteria provided, single submitter. Criteria: ACMG Guidelines, 2015. Collection method: clinical testing. Allele origin: germline.

Women's Health and Genetics/Laboratory Corporation of America, LabCorp
Classification: Likely benign. Last evaluated: 2024-05-22. Review status: criteria provided, single submitter. Criteria: LabCorp Variant Classification Summary - May 2015. Collection method: clinical testing. Allele origin: germline.
Comment: Variant summary: AP3B1 c.1198G>C (p.Ala400Pro) results in a non-conservative amino acid change in the encoded protein sequence. Three of five in-silico tools predict a damaging effect of the variant on protein function. The variant allele was found at a frequency of 0.0008 in 246196 control chromosomes. The observed variant frequency is approximately 2 fold of the estimated maximal expected allele frequency for a pathogenic variant in AP3B1 causing Hermansky-Pudlak Syndrome phenotype (0.0005). c.1198G>C has been reported in the literature in individuals affected with Adult-Onset Retinal Degeneration and Severe Congenital Neutropenia (Arno_2017, McNulty_2021). These report(s) do not provide unequivocal conclusions about association of the variant with Hermansky-Pudlak Syndrome. To our knowledge, no experimental evidence demonstrating an impact on protein function has been reported. The following publications have been ascertained in the context of this evaluation (PMID: 28132693, 33217554). ClinVar contains an entry for this variant (Variation ID: 434221). Based on the evidence outlined above, the variant was classified as likely benign.

CeGaT Center for Human Genetics Tuebingen
Classification: Uncertain significance. Last evaluated: 2023-03-01. Review status: criteria provided, single submitter. Criteria: CeGaT Center For Human Genetics Tuebingen Variant Classification Criteria Version 2. Collection method: clinical testing. Allele origin: germline. Affected: yes. Observed: 1 variant allele.
Comment: AP3B1: PM2:Supporting

Department of Pathology and Laboratory Medicine, Sinai Health System
Classification: Uncertain significance for Hermansky-Pudlak syndrome 2. Last evaluated: 2022-01-17. Review status: criteria provided, single submitter. Criteria: ACMG Guidelines, 2015. Collection method: research. Allele origin: germline.

GeneDx
Classification: Uncertain significance. Last evaluated: 2021-08-19. Review status: criteria provided, single submitter. Criteria: GeneDx Variant Classification Process June 2021. Collection method: clinical testing. Allele origin: germline. Affected: yes.
Comment: In silico analysis supports that this missense variant does not alter protein structure/function; Has not been previously published as pathogenic or benign to our knowledge

Genome Diagnostics Laboratory, The Hospital for Sick Children
Classification: Uncertain significance for Autoinflammatory syndrome. Last evaluated: 2021-08-17. Review status: criteria provided, single submitter. Criteria: ACMG Guidelines, 2015. Collection method: clinical testing. Allele origin: germline. Affected: yes.

Fulgent Genetics
Classification: Uncertain significance for Hermansky-Pudlak syndrome 2. Last evaluated: 2018-10-31. Review status: criteria provided, single submitter. Criteria: ACMG Guidelines, 2015. Collection method: clinical testing. Allele origin: unknown.

Illumina Laboratory Services, Illumina
Classification: Uncertain significance for Hermansky-Pudlak syndrome 2. Last evaluated: 2018-02-02. Review status: criteria provided, single submitter. Criteria: ICSL Variant Classification Criteria 13 December 2019. Collection method: clinical testing. Allele origin: germline.

Genetic Services Laboratory, University of Chicago
Classification: Uncertain significance. Last evaluated: 2016-10-14. Review status: criteria provided, single submitter. Criteria: ACMG Guidelines, 2015. Collection method: clinical testing. Allele origin: germline. Affected: no.

PreventionGenetics, part of Exact Sciences
Classification: Likely benign for AP3B1-related condition. Last evaluated: 2022-06-01. Review status: no assertion criteria provided. Collection method: clinical testing. Allele origin: germline. Not counted in ClinVar's aggregate classification.
Comment: This variant is classified as likely benign based on ACMG/AMP sequence variant interpretation guidelines (Richards et al. 2015 PMID: 25741868, with internal and published modifications).

Literature cited by the submitters: PubMed 28132693 (cited by Women's Health and Genetics/Laboratory Corporation of America, LabCorp); PubMed 33217554 (cited by Women's Health and Genetics/Laboratory Corporation of America, LabCorp).

NM_003664.5(AP3B1):c.1198G>C (p.Ala400Pro)

Gene: AP3B1 (adaptor related protein complex 3 subunit beta 1; minus strand). Cytogenetic location: 5q14.1.
Variant type: single nucleotide variant.
Coding change: c.1198G>C on transcript NM_003664.5 (MANE Select); coding-DNA position 1198, G replaced by C.
Protein change: p.Ala400Pro; replaces alanine 400 with proline.
Molecular consequence: missense variant.
Genome position (GRCh38, 1-based): chr5:78,165,642, C>G on the plus strand (G>C on the coding strand, the complement: AP3B1 is on the minus strand). VCF-style: chr5-78165642-C-G. GRCh37 (hg19) VCF-style: chr5-77461466-C-G.
Other names: c.1051G>C, p.Ala351Pro (NM_001271769.2); short protein forms A400P, A351P.
Identifiers: ClinVar variation 434221 (VCV000434221.54), dbSNP rs150000996, ClinGen allele CA3317143.
Genomic context (GRCh38, chr5:78,165,642, plus strand): 5'-TTTTTTATAATTAGCACTGTACACAAACCTGAAATTCTCGAAGAAGAGTTGATATGTTGG[C>G]TTCATTTGCCAAGTTTGTCAAAATTTCAAGCTATAGTAGAGAAAAGAGAAAGTAAACATT-3'
Protein context (NP_003655.3, residues 390-410): LEILTNLANE[Ala400Pro]NISTLLREFQ